The following is an entry in ClinVar:

NM_198525.3(KIF7):c.636C>T (p.His212=)

Gene: KIF7 (kinesin family member 7; minus strand). Cytogenetic location: 15q26.1.
Variant type: single nucleotide variant.
Coding change: c.636C>T on transcript NM_198525.3 (MANE Select); coding-DNA position 636, C replaced by T.
Protein change: p.His212=; no amino-acid change (histidine 212 retained).
Molecular consequence: synonymous variant.
Genome position (GRCh38, 1-based): chr15:89,649,261, G>A on the plus strand (C>T on the coding strand, the complement: KIF7 is on the minus strand). VCF-style: chr15-89649261-G-A. GRCh37 (hg19) VCF-style: chr15-90192492-G-A.
Identifiers: ClinVar variation 263154 (VCV000263154.20), dbSNP rs566303918, ClinGen allele CA7728620.

ClinVar aggregate classification (germline): Likely benign. Review status: criteria provided, multiple submitters, no conflicts (2 of 4 stars). 5 submissions from 5 submitters: Likely benign (5). Last evaluated 2026-06-01.

Conditions:
Acrocallosal syndrome (ACLS). Also called: HALLUX DUPLICATION, POSTAXIAL POLYDACTYLY, AND ABSENCE OF CORPUS CALLOSUM; Schinzel syndrome 1; Absence of corpus callosum with unusual facial appearance, mental deficiency, duplication of the halluces and polydactyly. Identifiers: Orphanet 36, MedGen C0796147, MONDO:0008708, OMIM 200990.

Allele frequency attached by ClinVar (database versions not stated): gnomAD 0.00002 and 0.00003; gnomAD exomes 0.00003 and 0.00026; TOPMed 0.00009; 1000 Genomes Project 30x 0.00016; 1000 Genomes Project 0.00020; ExAC 0.00022.
gnomAD v4.1: 48 of 1,527,088 alleles (0.0031%); highest among the groups gnomAD compares: Admixed American, 0.094%; no homozygotes.

Submissions (5):

CeGaT Center for Human Genetics Tuebingen
Classification: Likely benign. Last evaluated: 2026-06-01. Review status: criteria provided, single submitter. Criteria: CeGaT Center For Human Genetics Tuebingen Variant Classification Criteria Version 2. Collection method: clinical testing. Allele origin: germline. Affected: yes. Observed: 2 variant alleles.
Comment: KIF7: BP4, BP7

Labcorp Genetics (formerly Invitae), Labcorp
Classification: Likely benign for Acrocallosal syndrome. Last evaluated: 2025-10-23. Review status: criteria provided, single submitter. Criteria: Invitae Variant Classification Sherloc (09022015). Collection method: clinical testing. Allele origin: germline.

Blueprint Genetics
Classification: Likely benign. Last evaluated: 2022-09-30. Review status: criteria provided, single submitter. Criteria: ACMG Guidelines, 2015. Collection method: clinical testing. Allele origin: germline.

GeneDx
Classification: Likely benign. Last evaluated: 2020-12-21. Review status: criteria provided, single submitter. Criteria: GeneDx Variant Classification Process June 2021. Collection method: clinical testing. Allele origin: germline. Affected: yes.

PreventionGenetics, part of Exact Sciences
Classification: Likely benign. Review status: criteria provided, single submitter. Criteria: ACMG Guidelines, 2015. Collection method: clinical testing. Allele origin: germline.